The following is an entry in ClinVar:

ClinVar aggregate classification (germline): Likely benign (1 of 4 stars; one submission).

Allele frequency attached by ClinVar (database versions not stated): gnomAD exomes 0.00144; gnomAD 0.01559; TOPMed 0.01802; 1000 Genomes Project 0.01837; 1000 Genomes Project 30x 0.01889.
gnomAD v4.1: 3,743 of 1,051,916 alleles (0.36%); highest among the groups gnomAD compares: African/African-American, 5.3%; 101 homozygotes.

Submission:

GeneDx
Classification: Likely benign. Last evaluated: 2019-04-09. Review status: criteria provided, single submitter. Criteria: GeneDx Variant Classification Process June 2021. Collection method: clinical testing. Allele origin: germline. Affected: yes.
Comment: See Variant Classification Assertion Criteria.

NM_001080477.4(TENM3):c.3629+126A>G

Gene: TENM3 (teneurin transmembrane protein 3; plus strand). Cytogenetic location: 4q35.1.
Variant type: single nucleotide variant.
Coding change: c.3629+126A>G on transcript NM_001080477.4 (MANE Select); 126 bases into the intron after coding-DNA position 3629, A replaced by G.
Molecular consequence: intron variant.
Genome position (GRCh38, 1-based): chr4:182,743,545, A>G. VCF-style: chr4-182743545-A-G. GRCh37 (hg19) VCF-style: chr4-183664698-A-G.
Identifiers: ClinVar variation 1707301 (VCV001707301.2), dbSNP rs78941996, ClinGen allele CA111735118.